The following is an entry in ClinVar:

ClinVar aggregate classification (germline): Uncertain significance. Review status: criteria provided, multiple submitters, no conflicts (2 of 4 stars). 2 submissions from 2 submitters: Uncertain significance (2). Last evaluated 2025-09-01.

Conditions:
Polyglandular autoimmune syndrome, type 1 (APS1). Also called: Autoimmune polyendocrine syndrome type 1; Autoimmune polyendocrinopathy syndrome , type I, with or without reversible metaphyseal dysplasia; HYPOADRENOCORTICISM WITH HYPOPARATHYROIDISM AND SUPERFICIAL MONILIASIS; Autoimmune polyendocrinopathy syndrome, type I; APS I; PGA I. Identifiers: Orphanet 3453, MedGen C0085859, MONDO:0009411, OMIM 240300.
Inborn genetic diseases. Identifiers: MedGen C0950123, MeSH D030342.

Allele frequency attached by ClinVar (database versions not stated): ExAC 0.00001; gnomAD exomes 0.00001 and 0.00004; gnomAD 0.00002; TOPMed 0.00002.

Submissions (2):

Ambry Genetics
Classification: Uncertain significance for Inborn genetic diseases. Last evaluated: 2025-09-01. Review status: criteria provided, single submitter. Criteria: Ambry Variant Classification Scheme 2023. Collection method: clinical testing. Allele origin: germline.

Labcorp Genetics (formerly Invitae), Labcorp
Classification: Uncertain significance for Polyglandular autoimmune syndrome, type 1. Last evaluated: 2022-08-19. Review status: criteria provided, single submitter. Criteria: Invitae Variant Classification Sherloc (09022015). Collection method: clinical testing. Allele origin: germline.
Comment: This sequence change replaces arginine, which is basic and polar, with glutamine, which is neutral and polar, at codon 445 of the AIRE protein (p.Arg445Gln). This variant is present in population databases (rs753878067, gnomAD 0.005%). This variant has not been reported in the literature in individuals affected with AIRE-related conditions. ClinVar contains an entry for this variant (Variation ID: 572197). Algorithms developed to predict the effect of missense changes on protein structure and function are either unavailable or do not agree on the potential impact of this missense change (SIFT: "Tolerated"; PolyPhen-2: "Possibly Damaging"; Align-GVGD: "Class C0"). Algorithms developed to predict the effect of sequence changes on RNA splicing suggest that this variant may create or strengthen a splice site. In summary, the available evidence is currently insufficient to determine the role of this variant in disease. Therefore, it has been classified as a Variant of Uncertain Significance.

NM_000383.4(AIRE):c.1334G>A (p.Arg445Gln)

Gene: AIRE (autoimmune regulator; plus strand). Cytogenetic location: 21q22.3.
Variant type: single nucleotide variant.
Coding change: c.1334G>A on transcript NM_000383.4 (MANE Select); coding-DNA position 1334, G replaced by A.
Protein change: p.Arg445Gln; replaces arginine 445 with glutamine.
Molecular consequence: missense variant.
Genome position (GRCh38, 1-based): chr21:44,293,844, G>A. VCF-style: chr21-44293844-G-A. GRCh37 (hg19) VCF-style: chr21-45713727-G-A.
Other names: c.1334G>A (NM_000383.2); short protein forms R445Q.
Identifiers: ClinVar variation 572197 (VCV000572197.6), dbSNP rs753878067, ClinGen allele CA10052066.